The following is an entry in ClinVar:

ClinVar aggregate classification (germline): Uncertain significance. Review status: criteria provided, single submitter (1 of 4 stars). 2 submissions from 2 submitters: Uncertain significance (1). 1 of the submissions does not count toward it. Last evaluated 2025-01-20.

Conditions:
IFT74-related disorder. Also called: IFT74-related condition; IFT74-Related Disorders.

Allele frequency attached by ClinVar (database versions not stated): gnomAD 0.00001; gnomAD exomes 0.00001.

Submissions (2):

Labcorp Genetics (formerly Invitae), Labcorp
Classification: Uncertain significance. Last evaluated: 2025-01-20. Review status: criteria provided, single submitter. Criteria: Invitae Variant Classification Sherloc (09022015). Collection method: clinical testing. Allele origin: germline.
Comment: This sequence change replaces methionine, which is neutral and non-polar, with threonine, which is neutral and polar, at codon 175 of the IFT74 protein (p.Met175Thr). This variant is present in population databases (no rsID available, gnomAD 0.01%). This variant has not been reported in the literature in individuals affected with IFT74-related conditions. ClinVar contains an entry for this variant (Variation ID: 1493425). An algorithm developed to predict the effect of missense changes on protein structure and function (PolyPhen-2) suggests that this variant is likely to be tolerated. In summary, the available evidence is currently insufficient to determine the role of this variant in disease. Therefore, it has been classified as a Variant of Uncertain Significance.

PreventionGenetics, part of Exact Sciences
Classification: Uncertain significance for IFT74-related condition. Last evaluated: 2024-09-22. Review status: no assertion criteria provided. Collection method: clinical testing. Allele origin: germline. Not counted in ClinVar's aggregate classification.
Comment: The IFT74 c.524T>C variant is predicted to result in the amino acid substitution p.Met175Thr. To our knowledge, this variant has not been reported in the literature. This variant is reported in 0.013% of alleles in individuals of European (Non-Finnish) descent in gnomAD. At this time, the clinical significance of this variant is uncertain due to the absence of conclusive functional and genetic evidence.

NM_025103.4(IFT74):c.524T>C (p.Met175Thr)

Gene: IFT74 (intraflagellar transport 74; plus strand). Cytogenetic location: 9p21.2.
Variant type: single nucleotide variant.
Coding change: c.524T>C on transcript NM_025103.4 (MANE Select); coding-DNA position 524, T replaced by C.
Protein change: p.Met175Thr; replaces methionine 175 with threonine.
Molecular consequence: missense variant.
Genome position (GRCh38, 1-based): chr9:26,988,727, T>C. VCF-style: chr9-26988727-T-C. GRCh37 (hg19) VCF-style: chr9-26988725-T-C.
Other names: c.524T>C, p.Met175Thr (NM_001099222.3, NM_001099223.3, NM_001099224.3 and 1 more transcripts); c.524T>C (NM_025103.2); short protein forms M175T.
Identifiers: ClinVar variation 1493425 (VCV001493425.7), dbSNP rs1440934591, ClinGen allele CA373129553.